The following is an entry in ClinVar:

NM_181486.4(TBX5):c.853_865del (p.Ser285fs)

Gene: TBX5 (T-box transcription factor 5; minus strand). Cytogenetic location: 12q24.21.
Variant type: Deletion.
Coding change: c.853_865del on transcript NM_181486.4 (MANE Select); coding-DNA positions 853 to 865, 13 bases deleted (TCCAATTTGGGGT).
Protein change: p.Ser285fs; shifts the reading frame from serine 285.
Molecular consequence: frameshift variant.
Genome position (GRCh38, 1-based): chr12:114,366,282-114,366,294, ACCCCAAATTGGA deleted on the plus strand (TCCAATTTGGGGT on the coding strand, the reverse complement: TBX5 is on the minus strand). VCF-style (leftmost placement, unchanged base first): chr12-114366281-GACCCCAAATTGGA-G. GRCh37 (hg19) VCF-style: chr12-114804086-GACCCCAAATTGGA-G.
Other names: c.853_865del, p.Ser285fs (NM_000192.3); c.703_715del, p.Ser235fs (NM_080717.4); short protein forms S285fs, S235fs.
Identifiers: ClinVar variation 2016615 (VCV002016615.4), dbSNP rs2540436320, ClinGen allele CA2580085874.

ClinVar aggregate classification (germline): Pathogenic (1 of 4 stars; one submission).

Conditions:
Aortic valve disease 2 (AOVD2). Identifiers: MedGen C3542024, MONDO:0013902, OMIM 614823.

Submission:

Labcorp Genetics (formerly Invitae), Labcorp
Classification: Pathogenic for Aortic valve disease 2. Last evaluated: 2022-07-13. Review status: criteria provided, single submitter. Criteria: Invitae Variant Classification Sherloc (09022015). Collection method: clinical testing. Allele origin: germline.
Comment: For these reasons, this variant has been classified as Pathogenic. This variant disrupts a region of the TBX5 protein in which other variant(s) (p.Ser372*) have been determined to be pathogenic (Invitae). This suggests that this is a clinically significant region of the protein, and that variants that disrupt it are likely to be disease-causing. This variant has not been reported in the literature in individuals affected with TBX5-related conditions. This variant is not present in population databases (gnomAD no frequency). This sequence change creates a premature translational stop signal (p.Ser285Profs*105) in the TBX5 gene. While this is not anticipated to result in nonsense mediated decay, it is expected to disrupt the last 234 amino acid(s) of the TBX5 protein.